The following is an entry in ClinVar:

NM_033026.6(PCLO):c.299C>T (p.Pro100Leu)

Gene: PCLO (piccolo presynaptic cytomatrix protein; minus strand). Cytogenetic location: 7q21.11.
Variant type: single nucleotide variant.
Coding change: c.299C>T on transcript NM_033026.6 (MANE Select); coding-DNA position 299, C replaced by T.
Protein change: p.Pro100Leu; replaces proline 100 with leucine.
Molecular consequence: missense variant.
Genome position (GRCh38, 1-based): chr7:83,156,342, G>A on the plus strand (C>T on the coding strand, the complement: PCLO is on the minus strand). VCF-style: chr7-83156342-G-A. GRCh37 (hg19) VCF-style: chr7-82785658-G-A.
Other names: c.299C>T, p.Pro100Leu (NM_014510.3); c.299C>T (NM_033026.5); short protein forms P100L.
Identifiers: ClinVar variation 1471425 (VCV001471425.6), dbSNP rs373072037, ClinGen allele CA4321688.

ClinVar aggregate classification (germline): Uncertain significance. Review status: criteria provided, multiple submitters, no conflicts (2 of 4 stars). 2 submissions from 2 submitters: Uncertain significance (2). Last evaluated 2025-02-05.

Conditions:
Inborn genetic diseases. Identifiers: MedGen C0950123, MeSH D030342.

Allele frequency attached by ClinVar (database versions not stated): gnomAD exomes 0.00002; gnomAD 0.00002; ExAC 0.00003; ESP Exome Variant Server 0.00009.

Submissions (2):

Ambry Genetics
Classification: Uncertain significance for Inborn genetic diseases. Last evaluated: 2025-02-05. Review status: criteria provided, single submitter. Criteria: Ambry Variant Classification Scheme 2023. Collection method: clinical testing. Allele origin: germline.

Labcorp Genetics (formerly Invitae), Labcorp
Classification: Uncertain significance. Last evaluated: 2021-08-14. Review status: criteria provided, single submitter. Criteria: Invitae Variant Classification Sherloc (09022015). Collection method: clinical testing. Allele origin: germline.
Comment: This sequence change replaces proline with leucine at codon 100 of the PCLO protein (p.Pro100Leu). The proline residue is moderately conserved and there is a moderate physicochemical difference between proline and leucine. This variant is present in population databases (rs373072037, ExAC 0.01%). This variant has not been reported in the literature in individuals affected with PCLO-related conditions. Algorithms developed to predict the effect of missense changes on protein structure and function are either unavailable or do not agree on the potential impact of this missense change (SIFT: "Deleterious"; PolyPhen-2: "Not Available"; Align-GVGD: "Class C0"). In summary, the available evidence is currently insufficient to determine the role of this variant in disease. Therefore, it has been classified as a Variant of Uncertain Significance.